The following is an entry in ClinVar:

NM_000422.3(KRT17):c.805A>G (p.Lys269Glu)

Gene: KRT17 (keratin 17; minus strand). Cytogenetic location: 17q21.2.
Variant type: single nucleotide variant.
Coding change: c.805A>G on transcript NM_000422.3 (MANE Select); coding-DNA position 805, A replaced by G.
Protein change: p.Lys269Glu; replaces lysine 269 with glutamic acid.
Molecular consequence: missense variant.
Genome position (GRCh38, 1-based): chr17:41,621,622, T>C on the plus strand (A>G on the coding strand, the complement: KRT17 is on the minus strand). VCF-style: chr17-41621622-T-C. GRCh37 (hg19) VCF-style: chr17-39777874-T-C.
Other names: short protein forms K269E.
Identifiers: ClinVar variation 3607453 (VCV003607453.2).

ClinVar aggregate classification (germline): Uncertain significance (1 of 4 stars; one submission).

Submission:

Labcorp Genetics (formerly Invitae), Labcorp
Classification: Uncertain significance. Last evaluated: 2024-09-29. Review status: criteria provided, single submitter. Criteria: Invitae Variant Classification Sherloc (09022015). Collection method: clinical testing. Allele origin: germline.
Comment: This sequence change replaces lysine, which is basic and polar, with glutamic acid, which is acidic and polar, at codon 269 of the KRT17 protein (p.Lys269Glu). This variant is present in population databases (rs766163349, gnomAD 0.003%). This variant has not been reported in the literature in individuals affected with KRT17-related conditions. This missense change has been observed in at least one individual who was not affected with KRT17-related conditions (internal data). Invitae Evidence Modeling of protein sequence and biophysical properties (such as structural, functional, and spatial information, amino acid conservation, physicochemical variation, residue mobility, and thermodynamic stability) has been performed for this missense variant. However, the output from this modeling did not meet the statistical confidence thresholds required to predict the impact of this variant on KRT17 protein function. In summary, the available evidence is currently insufficient to determine the role of this variant in disease. Therefore, it has been classified as a Variant of Uncertain Significance.